The following is an entry in ClinVar:

ClinVar aggregate classification (germline): Uncertain significance. Review status: criteria provided, multiple submitters, no conflicts (2 of 4 stars). 2 submissions from 2 submitters: Uncertain significance (2). Last evaluated 2023-08-22.

Conditions:
Inborn genetic diseases. Identifiers: MedGen C0950123, MeSH D030342.

Allele frequency attached by ClinVar (database versions not stated): gnomAD exomes 0.00002; gnomAD 0.00005; TOPMed 0.00006.
gnomAD v4.1: 37 of 1,527,944 alleles (0.0024%); highest among the groups gnomAD compares: East Asian, 0.015%; 1 homozygote.

Submissions (2):

Ambry Genetics
Classification: Uncertain significance for Inborn genetic diseases. Last evaluated: 2023-08-22. Review status: criteria provided, single submitter. Criteria: Ambry Variant Classification Scheme 2023. Collection method: clinical testing. Allele origin: germline.

Labcorp Genetics (formerly Invitae), Labcorp
Classification: Uncertain significance. Last evaluated: 2022-07-15. Review status: criteria provided, single submitter. Criteria: Invitae Variant Classification Sherloc (09022015). Collection method: clinical testing. Allele origin: germline.
Comment: This sequence change replaces alanine, which is neutral and non-polar, with threonine, which is neutral and polar, at codon 98 of the ADSSL1 protein (p.Ala98Thr). This variant is present in population databases (no rsID available, gnomAD 0.05%). This variant has not been reported in the literature in individuals affected with ADSSL1-related conditions. Algorithms developed to predict the effect of missense changes on protein structure and function are either unavailable or do not agree on the potential impact of this missense change (SIFT: "Not Available"; PolyPhen-2: "Benign"; Align-GVGD: "Not Available"). In summary, the available evidence is currently insufficient to determine the role of this variant in disease. Therefore, it has been classified as a Variant of Uncertain Significance.

NM_152328.5(ADSS1):c.193-4836G>A

Gene: ADSS1 (adenylosuccinate synthase 1; plus strand). Cytogenetic location: 14q32.33.
Variant type: single nucleotide variant.
Coding change: c.193-4836G>A on transcript NM_152328.5 (MANE Select); 4836 bases into the intron before coding-DNA position 193, G replaced by A.
Molecular consequence: intron variant. On other transcripts: 5 prime UTR variant (1), missense variant (1).
Genome position (GRCh38, 1-based): chr14:104,730,184, G>A. VCF-style: chr14-104730184-G-A. GRCh37 (hg19) VCF-style: chr14-105196521-G-A.
Other names: c.-436G>A (NM_001320424.1); c.292G>A, p.Ala98Thr (NM_199165.2); c.292G>A (NM_199165.1); short protein forms A98T.
Identifiers: ClinVar variation 1979109 (VCV001979109.3), dbSNP rs1049294684, ClinGen allele CA267335138.
Genomic context (GRCh38, chr14:104,730,184, plus strand): 5'-TGGAGGAGCCACGGGTCAAATGCAGGAGGCCACACCTGCCTGCCCAGGAGGACTGCAGGA[G>A]CCGGATCCTTAACACCTGGAGGGGAGCGGGTGGGTGCGGTGGCGTACATCTGTAACTCCA-3'